The following is an entry in ClinVar:

NM_004004.6(GJB2):c.-27C>T

Gene: GJB2 (gap junction protein beta 2; minus strand). Cytogenetic location: 13q12.11.
Variant type: single nucleotide variant.
Coding change: c.-27C>T on transcript NM_004004.6 (MANE Select); 27 bases upstream of the start codon, C replaced by T.
Molecular consequence: 5 prime UTR variant.
Genome position (GRCh38, 1-based): chr13:20,192,787, G>A on the plus strand (C>T on the coding strand, the complement: GJB2 is on the minus strand). VCF-style: chr13-20192787-G-A. GRCh37 (hg19) VCF-style: chr13-20766926-G-A.
Identifiers: ClinVar variation 3350187 (VCV003350187.1).

ClinVar aggregate classification (germline): Likely benign (0 of 4 stars; one submission).

Conditions:
GJB2-related disorder. Also called: GJB2-related condition; GJB2-related disorders. Identifiers: MedGen CN382183, MONDO:1060236.

Submission:

PreventionGenetics, part of Exact Sciences
Classification: Likely benign for GJB2-related condition. Last evaluated: 2024-06-03. Review status: no assertion criteria provided. Collection method: clinical testing. Allele origin: germline.
Comment: This variant is classified as likely benign based on ACMG/AMP sequence variant interpretation guidelines (Richards et al. 2015 PMID: 25741868, with internal and published modifications).